The following is an entry in ClinVar:

NM_000742.4(CHRNA2):c.173C>T (p.Thr58Ile)

Gene: CHRNA2 (cholinergic receptor nicotinic alpha 2 subunit; minus strand). Cytogenetic location: 8p21.2.
Variant type: single nucleotide variant.
Coding change: c.173C>T on transcript NM_000742.4 (MANE Select); coding-DNA position 173, C replaced by T.
Protein change: p.Thr58Ile; replaces threonine 58 with isoleucine.
Molecular consequence: missense variant. On other transcripts: 5 prime UTR variant (4).
Genome position (GRCh38, 1-based): chr8:27,469,882, G>A on the plus strand (C>T on the coding strand, the complement: CHRNA2 is on the minus strand). VCF-style: chr8-27469882-G-A. GRCh37 (hg19) VCF-style: chr8-27327399-G-A.
Other names: p.T58I:ACT>ATT; c.173C>T, p.Thr58Ile (NM_001282455.2); c.-255C>T (NM_001347705.2); c.-300C>T (NM_001347706.2); c.-241C>T (NM_001347707.2); c.-289C>T (NM_001347708.2); short protein forms T58I.
Identifiers: ClinVar variation 204952 (VCV000204952.47), dbSNP rs151268950, ClinGen allele CA313426.

ClinVar aggregate classification (germline): Conflicting classifications of pathogenicity. Review status: criteria provided, conflicting classifications (1 of 4 stars). 7 submissions from 7 submitters: Uncertain significance (1); Benign (1); Likely benign (5). Last evaluated 2025-09-29.

Conditions:
Familial sleep-related hypermotor epilepsy. Also called: Autosomal Dominant Sleep-Related Hypermotor (Hyperkinetic) Epilepsy. Identifiers: Orphanet 98784, MedGen C3696898, MONDO:0000030.
Inborn genetic diseases. Identifiers: MedGen C0950123, MeSH D030342.
Autosomal dominant nocturnal frontal lobe epilepsy 4. Also called: CHRNA2-Related Nocturnal Frontal Lobe Epilepsy, Autosomal Dominant; EPILEPSY, FAMILIAL, WITH NOCTURNAL WANDERING AND ICTAL FEAR. Identifiers: Orphanet 98784, MedGen C1835905, MONDO:0012474, OMIM 610353.

Allele frequency attached by ClinVar (database versions not stated): gnomAD 0.00014 and 0.00015; gnomAD exomes 0.00016 and 0.00022; TOPMed 0.00016; ExAC 0.00020; ESP Exome Variant Server 0.00038.
gnomAD v4.1: 345 of 1,614,088 alleles (0.021%); highest among the groups gnomAD compares: Non-Finnish European, 0.027%; no homozygotes.

Submissions (7):

Labcorp Genetics (formerly Invitae), Labcorp
Classification: Likely benign. Last evaluated: 2025-09-29. Review status: criteria provided, single submitter. Criteria: Invitae Variant Classification Sherloc (09022015). Collection method: clinical testing. Allele origin: germline.

Blueprint Genetics
Classification: Likely benign. Last evaluated: 2024-11-14. Review status: criteria provided, single submitter. Criteria: ACMG Guidelines, 2015. Collection method: clinical testing. Allele origin: germline.

CeGaT Center for Human Genetics Tuebingen
Classification: Likely benign. Last evaluated: 2023-07-01. Review status: criteria provided, single submitter. Criteria: CeGaT Center For Human Genetics Tuebingen Variant Classification Criteria Version 2. Collection method: clinical testing. Allele origin: germline. Affected: yes. Observed: 1 variant allele.
Comment: CHRNA2: BP4, BP5

Ambry Genetics
Classification: Likely benign for Inborn genetic diseases. Last evaluated: 2022-12-27. Review status: criteria provided, single submitter. Criteria: Ambry Variant Classification Scheme 2023. Collection method: clinical testing. Allele origin: germline.

GeneDx
Classification: Likely benign. Last evaluated: 2020-12-02. Review status: criteria provided, single submitter. Criteria: GeneDx Variant Classification Process June 2021. Collection method: clinical testing. Allele origin: germline. Affected: yes.

Mayo Clinic Laboratories, Mayo Clinic
Classification: Uncertain significance. Last evaluated: 2019-05-06. Review status: criteria provided, single submitter. Criteria: ACMG Guidelines, 2015. Collection method: clinical testing. Allele origin: germline. Observed: 1 variant allele.

Illumina Laboratory Services, Illumina
Classification: Benign for Autosomal dominant nocturnal frontal lobe epilepsy 4. Last evaluated: 2018-01-13. Review status: criteria provided, single submitter. Criteria: ICSL Variant Classification Criteria 13 December 2019. Collection method: clinical testing. Allele origin: germline.
Comment: This variant was observed in the ICSL laboratory as part of a predisposition screen in an ostensibly healthy population. It had not been previously curated by ICSL or reported in the Human Gene Mutation Database (HGMD: prior to June 1st, 2018), and was therefore a candidate for classification through an automated scoring system. Utilizing variant allele frequency, disease prevalence and penetrance estimates, and inheritance mode, an automated score was calculated to assess if this variant is too frequent to cause the disease. Based on the score and internal cut-off values, a variant classified as benign is not then subjected to further curation. The score for this variant resulted in a classification of benign for this disease.